The following is an entry in ClinVar:

NM_019102.4(HOXA5):c.404C>T (p.Thr135Ile)

Genes: HOXA3 (homeobox A3; minus strand), HOXA-AS3 (HOXA cluster antisense RNA 3; plus strand), HOXA5 (homeobox A5; minus strand). Cytogenetic location: 7p15.2.
Variant type: single nucleotide variant.
Coding change: c.404C>T on transcript NM_019102.4 (MANE Select); coding-DNA position 404, C replaced by T.
Protein change: p.Thr135Ile; replaces threonine 135 with isoleucine.
Molecular consequence: missense variant. On other transcripts: intron variant (3).
Genome position (GRCh38, 1-based): chr7:27,143,204, G>A on the plus strand (C>T on the coding strand, the complement: HOXA5 is on the minus strand). VCF-style: chr7-27143204-G-A. GRCh37 (hg19) VCF-style: chr7-27182823-G-A.
Other names: c.-493-3018C>T (NM_153631.3); c.-609-3018C>T (NM_001384335.1); c.-308-3018C>T (NM_001384336.1); short protein forms T135I.
Identifiers: ClinVar variation 3251144 (VCV003251144.18), dbSNP rs1562729141.

ClinVar aggregate classification (germline): Uncertain significance (1 of 4 stars; one submission).

Submission:

CeGaT Center for Human Genetics Tuebingen
Classification: Uncertain significance. Last evaluated: 2024-06-01. Review status: criteria provided, single submitter. Criteria: CeGaT Center For Human Genetics Tuebingen Variant Classification Criteria Version 2. Collection method: clinical testing. Allele origin: germline. Affected: yes. Observed: 1 variant allele.
Comment: HOXA5: PM2